The following is an entry in ClinVar:

NM_004959.5(NR5A1):c.232_244del (p.Met78fs)

Gene: NR5A1 (nuclear receptor subfamily 5 group A member 1; minus strand). Cytogenetic location: 9q33.3.
Variant type: Deletion.
Coding change: c.232_244del on transcript NM_004959.5 (MANE Select); coding-DNA positions 232 to 244, 13 bases deleted (ATGCGCCTGGAAG).
Protein change: p.Met78fs; shifts the reading frame from methionine 78.
Molecular consequence: frameshift variant.
Genome position (GRCh38, 1-based): chr9:124,503,079-124,503,091, CTTCCAGGCGCAT deleted on the plus strand (ATGCGCCTGGAAG on the coding strand, the reverse complement: NR5A1 is on the minus strand); deleting any 13 consecutive bases within chr9:124,503,079-124,503,092 gives the same sequence; the c. name uses the placement nearest the transcript's 3' end. VCF-style (leftmost placement, unchanged base first): chr9-124503078-CCTTCCAGGCGCAT-C. GRCh37 (hg19) VCF-style: chr9-127265357-CCTTCCAGGCGCAT-C.
Other names: short protein forms M78fs.
Identifiers: ClinVar variation 1068954 (VCV001068954.7), dbSNP rs2131289687, ClinGen allele CA2499219610.
Genomic context (GRCh38, chr9:124,503,078, plus strand): 5'-CCCCACCCCCTACCCCCTCAGGCTGTGGGGGGTCAGGGGTCGAGGCCCGCGCGGCGCGCA[CCTTCCAGGCGCAT>C]CCCCACCGTCAGGCATTTCTGGAAGCGGCAGAAGGGACAGCGCTTGCGCTGCGTCTTGTC-3'

ClinVar aggregate classification (germline): Pathogenic (1 of 4 stars; one submission).

Conditions:
46 XY differences of sex development. Also called: 46,XY disorder of sex development; 46, XY disorder of sex development (DSD). Identifiers: Orphanet 98085, MedGen C2751824, MONDO:0020040.
Oligosynaptic infertility (SPGF1). Also called: OLIGOCHIASMATIC INFERTILITY; SPERMATOGENIC FAILURE 1. Identifiers: MedGen C0403810, MONDO:0009776, OMIM 258150.

Submission:

Labcorp Genetics (formerly Invitae), Labcorp
Classification: Pathogenic for 46 XY differences of sex development; Oligosynaptic infertility. Last evaluated: 2020-05-05. Review status: criteria provided, single submitter. Criteria: Invitae Variant Classification Sherloc (09022015). Collection method: clinical testing. Allele origin: germline.
Comment: This variant has not been reported in the literature in individuals with NR5A1-related conditions. For these reasons, this variant has been classified as Pathogenic. Loss-of-function variants in NR5A1 are known to be pathogenic (PMID: 10369247, 11038323, 12907682, 19246354, 20887963). Algorithms developed to predict the effect of sequence changes on RNA splicing suggest that this variant may disrupt the consensus splice site, but this prediction has not been confirmed by published transcriptional studies. This variant is not present in population databases (ExAC no frequency). This sequence change creates a premature translational stop signal (p.Met78Profs*7) in the NR5A1 gene. It is expected to result in an absent or disrupted protein product.

Literature cited by the submitters: PubMed 10369247; PubMed 11038323; PubMed 12907682; PubMed 19246354; PubMed 20887963.